The following is an entry in ClinVar:

ClinVar aggregate classification (germline): Uncertain significance. Review status: criteria provided, multiple submitters, no conflicts (2 of 4 stars). 2 submissions from 2 submitters: Uncertain significance (2). Last evaluated 2025-06-04.

Conditions:
Inborn genetic diseases. Identifiers: MedGen C0950123, MeSH D030342.
Brachyolmia-amelogenesis imperfecta syndrome. Also called: PLATYSPONDYLY WITH AMELOGENESIS IMPERFECTA; Tooth agenesis, selective, 6; Dental anomalies and short stature. Identifiers: Orphanet 2899, MedGen C1832594, MONDO:0011018, OMIM 601216. Disease mechanism: loss of function.

Allele frequency attached by ClinVar (database versions not stated): gnomAD exomes below 0.00001; ExAC 0.00003; gnomAD 0.00005; TOPMed 0.00005.

Submissions (2):

Labcorp Genetics (formerly Invitae), Labcorp
Classification: Uncertain significance for Brachyolmia-amelogenesis imperfecta syndrome. Last evaluated: 2025-06-04. Review status: criteria provided, single submitter. Criteria: Invitae Variant Classification Sherloc (09022015). Collection method: clinical testing. Allele origin: germline.
Comment: This sequence change replaces proline, which is neutral and non-polar, with serine, which is neutral and polar, at codon 538 of the LTBP3 protein (p.Pro538Ser). This variant is present in population databases (rs756004081, gnomAD 0.02%). This variant has not been reported in the literature in individuals affected with LTBP3-related conditions. ClinVar contains an entry for this variant (Variation ID: 1776418). An algorithm developed to predict the effect of missense changes on protein structure and function (PolyPhen-2) suggests that this variant is likely to be tolerated. In summary, the available evidence is currently insufficient to determine the role of this variant in disease. Therefore, it has been classified as a Variant of Uncertain Significance.

Ambry Genetics
Classification: Uncertain significance for Inborn genetic diseases. Last evaluated: 2022-10-02. Review status: criteria provided, single submitter. Criteria: Ambry Variant Classification Scheme 2023. Collection method: clinical testing. Allele origin: germline.
Comment: The p.P538S variant (also known as c.1612C>T), located in coding exon 10 of the LTBP3 gene, results from a C to T substitution at nucleotide position 1612. The proline at codon 538 is replaced by serine, an amino acid with similar properties. This amino acid position is conserved. In addition, this alteration is predicted to be tolerated by in silico analysis. Since supporting evidence is limited at this time, the clinical significance of this alteration remains unclear.

NM_001130144.3(LTBP3):c.1612C>T (p.Pro538Ser)

Gene: LTBP3 (latent transforming growth factor beta binding protein 3; minus strand). Cytogenetic location: 11q13.1.
Variant type: single nucleotide variant.
Coding change: c.1612C>T on transcript NM_001130144.3 (MANE Select); coding-DNA position 1612, C replaced by T.
Protein change: p.Pro538Ser; replaces proline 538 with serine.
Molecular consequence: missense variant.
Genome position (GRCh38, 1-based): chr11:65,551,411, G>A on the plus strand (C>T on the coding strand, the complement: LTBP3 is on the minus strand). VCF-style: chr11-65551411-G-A. GRCh37 (hg19) VCF-style: chr11-65318882-G-A.
Other names: c.1261C>T, p.Pro421Ser (NM_001164266.1); c.1612C>T, p.Pro538Ser (NM_021070.4); short protein forms P538S, P421S.
Identifiers: ClinVar variation 1776418 (VCV001776418.7), dbSNP rs756004081, ClinGen allele CA6100919.
Genomic context (GRCh38, chr11:65,551,411, plus strand): 5'-CCACCCAGTGATTTAGCCCTTGAGGACTCATCCCTACAGTGCCCAGCTCACCGGGGTAGG[G>A]CCGGGCAGGAGTCGTGGTGGCAGTTGGGTGGCTCTGCTGCACTGACCTCTCCTCACTCAC-3'
Protein context (NP_001123616.1, residues 528-548): HPTATTTPAR[Pro538Ser]YPELISRPSP